The following is an entry in ClinVar:

ClinVar aggregate classification (germline): Conflicting classifications of pathogenicity. Review status: criteria provided, conflicting classifications (1 of 4 stars). 4 submissions from 4 submitters: Uncertain significance (1); Likely benign (3). Last evaluated 2025-06-16.

Conditions:
Cardiovascular phenotype. Identifiers: MedGen CN230736.
Arrhythmogenic right ventricular cardiomyopathy (ARVD). Also called: Arrhythmogenic cardiomyopathy; Cardiomyopathy, ARVC; Arrhythmogenic right ventricular dysplasia; Arrhythmogenic Right Ventricular Cardiomyopathy (ARVC). Identifiers: Orphanet 247, MedGen C0349788, MeSH D019571, MONDO:0016587. Disease mechanism: loss of function. Inheritance: Various modes of inheritance.
Arrhythmogenic right ventricular dysplasia 9 (ARVD9). Also called: Arrhythmogenic Right Ventricular Dysplasia/Cardiomyopathy 9; ARRHYTHMOGENIC RIGHT VENTRICULAR DYSPLASIA, FAMILIAL, 9. Identifiers: MedGen C1836906, MONDO:0012180, OMIM 609040.
Cardiomyopathy (CMYO). Also called: Cardiomyopathies. Identifiers: Orphanet 167848, MedGen C0878544, MONDO:0004994, HP:0001638. Inheritance: Various modes of inheritance.

Allele frequency attached by ClinVar (database versions not stated): gnomAD exomes below 0.00001 and 0.00001.
gnomAD v4.1: 5 of 1,543,906 alleles (0.00032%); highest among the groups gnomAD compares: Non-Finnish European, 0.00043%; no homozygotes.

Submissions (4):

Labcorp Genetics (formerly Invitae), Labcorp
Classification: Uncertain significance for Arrhythmogenic right ventricular dysplasia 9. Last evaluated: 2025-06-16. Review status: criteria provided, single submitter. Criteria: Invitae Variant Classification Sherloc (09022015). Collection method: clinical testing. Allele origin: germline.
Comment: This sequence change replaces serine, which is neutral and polar, with phenylalanine, which is neutral and non-polar, at codon 71 of the PKP2 protein (p.Ser71Phe). The frequency data for this variant in the population databases is considered unreliable, as metrics indicate poor data quality at this position in the gnomAD database. This variant has not been reported in the literature in individuals affected with PKP2-related conditions. ClinVar contains an entry for this variant (Variation ID: 629967). An algorithm developed to predict the effect of missense changes on protein structure and function outputs the following: PolyPhen-2: "Benign". The phenylalanine amino acid residue is found in multiple mammalian species, which suggests that this missense change does not adversely affect protein function. In summary, the available evidence is currently insufficient to determine the role of this variant in disease. Therefore, it has been classified as a Variant of Uncertain Significance.

Ambry Genetics
Classification: Likely benign for Cardiovascular phenotype. Last evaluated: 2024-12-31. Review status: criteria provided, single submitter. Criteria: Ambry Variant Classification Scheme 2023. Collection method: clinical testing. Allele origin: germline.

Color Diagnostics, LLC DBA Color Health
Classification: Likely benign for Cardiomyopathy. Last evaluated: 2024-09-04. Review status: criteria provided, single submitter. Criteria: ACMG Guidelines, 2015. Collection method: clinical testing. Allele origin: germline.

All of Us Research Program, National Institutes of Health
Classification: Likely benign for Arrhythmogenic right ventricular cardiomyopathy. Last evaluated: 2024-04-16. Review status: criteria provided, single submitter. Criteria: ACMG Guidelines, 2015. Collection method: clinical testing. Allele origin: germline. Inheritance: Autosomal dominant inheritance. Observed: 2 variant alleles, 2 heterozygotes.
Comment: This study involves interpretation of variants in research participants for the purpose of population health screening. Participant phenotype was not available at the time of variant classification. Additional details can be found in publication PMID: 35346344, PMCID: PMC8962531

NM_001005242.3(PKP2):c.212C>T (p.Ser71Phe)

Gene: PKP2 (plakophilin 2; minus strand). Cytogenetic location: 12p11.21.
Variant type: single nucleotide variant.
Coding change: c.212C>T on transcript NM_001005242.3 (MANE Select); coding-DNA position 212, C replaced by T.
Protein change: p.Ser71Phe; replaces serine 71 with phenylalanine.
Molecular consequence: missense variant.
Genome position (GRCh38, 1-based): chr12:32,896,520, G>A on the plus strand (C>T on the coding strand, the complement: PKP2 is on the minus strand). VCF-style: chr12-32896520-G-A. GRCh37 (hg19) VCF-style: chr12-33049454-G-A.
Other names: c.212C>T, p.Ser71Phe (NM_004572.4); short protein forms S71F.
Identifiers: ClinVar variation 629967 (VCV000629967.11), dbSNP rs796597346, ClinGen allele CA235280529.